The following is an entry in ClinVar:

NM_138694.4(PKHD1):c.9269A>G (p.Asn3090Ser)

Gene: PKHD1 (PKHD1 ciliary IPT domain containing fibrocystin/polyductin; minus strand). Cytogenetic location: 6p12.3.
Variant type: single nucleotide variant.
Coding change: c.9269A>G on transcript NM_138694.4 (MANE Select); coding-DNA position 9269, A replaced by G.
Protein change: p.Asn3090Ser; replaces asparagine 3090 with serine.
Molecular consequence: missense variant.
Genome position (GRCh38, 1-based): chr6:51,748,347, T>C on the plus strand (A>G on the coding strand, the complement: PKHD1 is on the minus strand). VCF-style: chr6-51748347-T-C. GRCh37 (hg19) VCF-style: chr6-51613145-T-C.
Other names: c.9269A>G, p.Asn3090Ser (NM_170724.3); short protein forms N3090S.
Identifiers: ClinVar variation 1383832 (VCV001383832.6), dbSNP rs1785518946, ClinGen allele CA364422437.
Genomic context (GRCh38, chr6:51,748,347, plus strand): 5'-TTGTGGCCTCGGATGTGAAAGCCAAGTCTCTCTGATCCTGCCACAACGTTGCCATGGAGG[T>C]TGATGTCCTTTACCTGGTTCACTTTGATTCCCGCCACCCAAATGGTGGACCACGCTGGCT-3'
Protein context (NP_619639.3, residues 3080-3100): GIKVNQVKDI[Asn3090Ser]LHGNVVAGSE

ClinVar aggregate classification (germline): Uncertain significance (1 of 4 stars; one submission).

Conditions:
Autosomal recessive polycystic kidney disease (ARPKD). Also called: AR polycystic kidney disease. Identifiers: Orphanet 731, Orphanet 8378, MedGen C0085548, MeSH D017044, MONDO:0009889.

Allele frequency attached by ClinVar (database versions not stated): gnomAD exomes below 0.00001; TOPMed below 0.00001.
gnomAD v4.1: 2 of 1,613,992 alleles (0.00012%); highest among the groups gnomAD compares: Admixed American, 0.0017%; no homozygotes.

Submission:

Labcorp Genetics (formerly Invitae), Labcorp
Classification: Uncertain significance for Autosomal recessive polycystic kidney disease. Last evaluated: 2023-12-12. Review status: criteria provided, single submitter. Criteria: Invitae Variant Classification Sherloc (09022015). Collection method: clinical testing. Allele origin: germline.
Comment: This sequence change replaces asparagine, which is neutral and polar, with serine, which is neutral and polar, at codon 3090 of the PKHD1 protein (p.Asn3090Ser). This variant is not present in population databases (gnomAD no frequency). This variant has not been reported in the literature in individuals affected with PKHD1-related conditions. ClinVar contains an entry for this variant (Variation ID: 1383832). Advanced modeling of protein sequence and biophysical properties (such as structural, functional, and spatial information, amino acid conservation, physicochemical variation, residue mobility, and thermodynamic stability) performed at Invitae indicates that this missense variant is not expected to disrupt PKHD1 protein function with a negative predictive value of 95%. In summary, the available evidence is currently insufficient to determine the role of this variant in disease. Therefore, it has been classified as a Variant of Uncertain Significance.